The following is an entry in ClinVar:

ClinVar aggregate classification (germline): Likely benign. Review status: criteria provided, multiple submitters, no conflicts (2 of 4 stars). 2 submissions from 2 submitters: Likely benign (2). Last evaluated 2024-01-06.

Conditions:
Autosomal recessive nonsyndromic hearing loss 3. Also called: NEUROSENSORY NONSYNDROMIC RECESSIVE DEAFNESS 3. Identifiers: Orphanet 90636, MedGen C1838263, MONDO:0010860, OMIM 600316.

Allele frequency attached by ClinVar (database versions not stated): TOPMed 0.00002.

Submissions (2):

Wonkam Laboratory, Johns Hopkins University
Classification: Likely benign for Autosomal recessive nonsyndromic hearing loss 3. Last evaluated: 2024-01-06. Review status: criteria provided, single submitter. Criteria: ACMG Guidelines, 2015. Collection method: research. Allele origin: germline. Inheritance: Autosomal recessive inheritance. Affected: yes. Observed: 2 variant alleles.
Comment: This variant MYO15A c.4359T>C (NM_016239.3) is absent from controls (or at extremely low frequency if recessive) in Exome Sequencing Project, 1000 Genomes Project, or Exome Aggregation Consortium (PM2), Multiple lines of computational evidence suggest no impact on gene or gene product (conservation, evolutionary, splicing impact, etc.) (BP4), Reputable source recently reports variant as benign, but the evidence is not available to the laboratory to perform an independent evaluation (BP6), A synonymous (silent) variant for which splicing prediction algorithms predict no impact to the splice consensus sequence nor the creation of a new splice site AND the nucleotide is not highly conserved (BP7)

Labcorp Genetics (formerly Invitae), Labcorp
Classification: Likely benign. Last evaluated: 2023-12-19. Review status: criteria provided, single submitter. Criteria: Invitae Variant Classification Sherloc (09022015). Collection method: clinical testing. Allele origin: germline.

NM_016239.4(MYO15A):c.4359T>C (p.Asp1453=)

Gene: MYO15A (myosin XVA; plus strand). Cytogenetic location: 17p11.2.
Variant type: single nucleotide variant.
Coding change: c.4359T>C on transcript NM_016239.4 (MANE Select); coding-DNA position 4359, T replaced by C.
Protein change: p.Asp1453=; no amino-acid change (aspartic acid 1453 retained).
Molecular consequence: synonymous variant.
Genome position (GRCh38, 1-based): chr17:18,133,263, T>C. VCF-style: chr17-18133263-T-C. GRCh37 (hg19) VCF-style: chr17-18036577-T-C.
Other names: c.4359T>C (NM_016239.3).
Identifiers: ClinVar variation 2859294 (VCV002859294.4), dbSNP rs2046200962, ClinGen allele CA498199408.